The following is an entry in ClinVar:

ClinVar aggregate classification (germline): Uncertain significance (1 of 4 stars; one submission).

Conditions:
SETBP1-related disorder. Also called: SETBP1-related condition; SETBP1-related disorders.

gnomAD v4.1: 5 of 1,614,148 alleles (0.00031%); highest among the groups gnomAD compares: South Asian, 0.0055%; no homozygotes.

Submission:

PreventionGenetics, part of Exact Sciences
Classification: Uncertain significance for SETBP1-related condition. Last evaluated: 2025-03-31. Review status: criteria provided, single submitter. Criteria: ACMG Guidelines, 2015. Collection method: clinical testing. Allele origin: germline.
Comment: The SETBP1 c.2868C>G variant is predicted to result in the amino acid substitution p.Asp956Glu. To our knowledge, this variant has not been reported in the literature or in a large population database (gnomAD), indicating this variant is rare. At this time, the clinical significance of this variant is uncertain due to the absence of conclusive functional and genetic evidence.

NM_015559.3(SETBP1):c.2868C>G (p.Asp956Glu)

Gene: SETBP1 (SET binding protein 1; plus strand). Cytogenetic location: 18q12.3.
Variant type: single nucleotide variant.
Coding change: c.2868C>G on transcript NM_015559.3 (MANE Select); coding-DNA position 2868, C replaced by G.
Protein change: p.Asp956Glu; replaces aspartic acid 956 with glutamic acid.
Molecular consequence: missense variant.
Genome position (GRCh38, 1-based): chr18:44,952,208, C>G. VCF-style: chr18-44952208-C-G. GRCh37 (hg19) VCF-style: chr18-42532173-C-G.
Other names: c.2868C>G, p.Asp956Glu (NM_001379141.1, NM_001379142.1, NM_001410862.1); short protein forms D956E.
Identifiers: ClinVar variation 4982960 (VCV004982960.1).